The following is an entry in ClinVar:

ClinVar aggregate classification (germline): Uncertain significance (1 of 4 stars; one submission).

Conditions:
Birt-Hogg-Dube syndrome. Also called: Birt Hogg Dubé syndrome. Identifiers: Orphanet 122, MedGen C0346010, MONDO:0800444.

Submission:

Labcorp Genetics (formerly Invitae), Labcorp
Classification: Uncertain significance for Birt-Hogg-Dube syndrome. Last evaluated: 2023-03-04. Review status: criteria provided, single submitter. Criteria: Invitae Variant Classification Sherloc (09022015). Collection method: clinical testing. Allele origin: germline.
Comment: This sequence change replaces glutamic acid, which is acidic and polar, with valine, which is neutral and non-polar, at codon 70 of the FLCN protein (p.Glu70Val). This variant is not present in population databases (gnomAD no frequency). This variant has not been reported in the literature in individuals affected with FLCN-related conditions. Advanced modeling of protein sequence and biophysical properties (such as structural, functional, and spatial information, amino acid conservation, physicochemical variation, residue mobility, and thermodynamic stability) performed at Invitae indicates that this missense variant is not expected to disrupt FLCN protein function. In summary, the available evidence is currently insufficient to determine the role of this variant in disease. Therefore, it has been classified as a Variant of Uncertain Significance.

NM_144997.7(FLCN):c.209A>T (p.Glu70Val)

Gene: FLCN (folliculin; minus strand). Cytogenetic location: 17p11.2.
Variant type: single nucleotide variant.
Coding change: c.209A>T on transcript NM_144997.7 (MANE Select); coding-DNA position 209, A replaced by T.
Protein change: p.Glu70Val; replaces glutamic acid 70 with valine.
Molecular consequence: missense variant.
Genome position (GRCh38, 1-based): chr17:17,227,929, T>A on the plus strand (A>T on the coding strand, the complement: FLCN is on the minus strand). VCF-style: chr17-17227929-T-A. GRCh37 (hg19) VCF-style: chr17-17131243-T-A.
Other names: c.209A>T, p.Glu70Val (NM_001353229.2, NM_001353230.2, NM_001353231.2 and 1 more transcripts); short protein forms E70V.
Identifiers: ClinVar variation 2842771 (VCV002842771.3), dbSNP rs2145040560, ClinGen allele CA398535098.